The following is an entry in ClinVar:

ClinVar aggregate classification (germline): Uncertain significance. Review status: criteria provided, multiple submitters, no conflicts (2 of 4 stars). 2 submissions from 2 submitters: Uncertain significance (2). Last evaluated 2025-04-12.

Conditions:
Loeys-Dietz syndrome 2 (LDS2). Also called: TGFBR2-Related Loeys-Dietz Syndrome; Marfan syndrome, type 2 (formerly); AORTIC ANEURYSM, FAMILIAL THORACIC 3; MARFAN SYNDROME, TYPE II; Marfan Syndrome type 2; Marfan like connective tissue disorder. Identifiers: Orphanet 284973, Orphanet 558, MedGen C2674574, MONDO:0012427, OMIM 610168.

Allele frequency attached by ClinVar (database versions not stated): gnomAD exomes below 0.00001; TOPMed 0.00002.
gnomAD v4.1: 2 of 1,614,182 alleles (0.00012%); highest among the groups gnomAD compares: East Asian, 0.0045%; no homozygotes.

Submissions (2):

Ambry Genetics
Classification: Uncertain significance. Last evaluated: 2025-04-12. Review status: criteria provided, single submitter. Criteria: Ambry Variant Classification Scheme 2023. Collection method: clinical testing. Allele origin: germline.
Comment: The p.S295P variant (also known as c.883T>C), located in coding exon 4 of the TMPO gene, results from a T to C substitution at nucleotide position 883. The serine at codon 295 is replaced by proline, an amino acid with similar properties. This amino acid position is conserved. In addition, this alteration is predicted to be tolerated by in silico analysis. Based on the available evidence, the clinical significance of this variant remains unclear.

Labcorp Genetics (formerly Invitae), Labcorp
Classification: Uncertain significance for Loeys-Dietz syndrome 2. Last evaluated: 2023-08-16. Review status: criteria provided, single submitter. Criteria: Invitae Variant Classification Sherloc (09022015). Collection method: clinical testing. Allele origin: germline.
Comment: In summary, the available evidence is currently insufficient to determine the role of this variant in disease. Therefore, it has been classified as a Variant of Uncertain Significance. Advanced modeling of protein sequence and biophysical properties (such as structural, functional, and spatial information, amino acid conservation, physicochemical variation, residue mobility, and thermodynamic stability) performed at Invitae indicates that this missense variant is not expected to disrupt TMPO protein function. This variant has not been reported in the literature in individuals affected with TMPO-related conditions. This variant is present in population databases (no rsID available, gnomAD 0.01%). This sequence change replaces serine, which is neutral and polar, with proline, which is neutral and non-polar, at codon 295 of the TMPO protein (p.Ser295Pro).

NM_001032283.3(TMPO):c.565+1302T>C

Gene: TMPO (thymopoietin; plus strand). Cytogenetic location: 12q23.1.
Variant type: single nucleotide variant.
Coding change: c.565+1302T>C on transcript NM_001032283.3 (MANE Select); 1302 bases into the intron after coding-DNA position 565, T replaced by C.
Molecular consequence: intron variant. On other transcripts: missense variant (1).
Genome position (GRCh38, 1-based): chr12:98,533,140, T>C. VCF-style: chr12-98533140-T-C. GRCh37 (hg19) VCF-style: chr12-98926918-T-C.
Other names: c.883T>C, p.Ser295Pro (NM_003276.2); c.565+1302T>C (NM_001307975.2, NM_001032284.3); short protein forms S295P.
Identifiers: ClinVar variation 2725353 (VCV002725353.4), dbSNP rs1244496132, ClinGen allele CA386152016.
Genomic context (GRCh38, chr12:98,533,140, plus strand): 5'-AATTTGTTTATTTCATGCAAGTCTAGCCATGATAGGTGTTTAGAGAAAAGTTCTTCGTCA[T>C]CTTCTCAGCCTGAACACAGTGCCATGTTGGTCTCTACTGCAGCTTCTCCTTCACTGATTA-3'